The following is an entry in ClinVar:

NM_000051.4(ATM):c.9022C>T (p.Arg3008Cys)

Genes: ATM (ATM serine/threonine kinase; plus strand), C11orf65 (chromosome 11 open reading frame 65; minus strand). Cytogenetic location: 11q22.3.
Variant type: single nucleotide variant.
Coding change: c.9022C>T on transcript NM_000051.4 (MANE Select); coding-DNA position 9022, C replaced by T.
Protein change: p.Arg3008Cys; replaces arginine 3008 with cysteine.
Molecular consequence: missense variant. On other transcripts: intron variant (2).
Genome position (GRCh38, 1-based): chr11:108,365,359, C>T. VCF-style: chr11-108365359-C-T. GRCh37 (hg19) VCF-style: chr11-108236086-C-T.
Other names: p.R3008C:CGT>TGT; NM_000051.4(ATM):c.9022C>T; c.640+20561G>A (NM_001330368.2); c.694+20561G>A (NM_001351110.2); c.9022C>T, p.Arg3008Cys (NM_001351834.2); short protein forms R3008C.
Identifiers: ClinVar variation 142187 (VCV000142187.64), dbSNP rs587782292, ClinGen allele CA294307.

ClinVar aggregate classification (germline): Likely pathogenic. Review status: reviewed by expert panel (3 of 4 stars). 22 submissions from 22 submitters: Likely pathogenic (1). 21 of the submissions do not count toward it. Last evaluated 2024-11-26.
ClinVar aggregate classification (somatic clinical impact): Tier II - Potential (1 of 4 stars; one submission).

Conditions:
ATM-related cancer predisposition. Also called: ATM-related cancer susceptibility. Identifiers: MedGen CN377759, MONDO:0700270.
ATM-related disorder. Also called: ATM-related disorders; ATM-related condition.
Gastric cancer. Also called: Stomach cancer; Malignant tumor of stomach. Identifiers: MedGen C0024623, MeSH D013274, MONDO:0001056, OMIM 613659, HP:0012126.
Hereditary cancer-predisposing syndrome. Also called: Neoplastic Syndromes, Hereditary; Hereditary Cancer Syndrome; Tumor predisposition; Hereditary neoplastic syndrome. Identifiers: Orphanet 140162, MedGen C0027672, MeSH D009386, MONDO:0015356.
Familial cancer of breast. Also called: BREAST CANCER, FAMILIAL; hereditary breast carcinoma; Hereditary breast cancer. Identifiers: Orphanet 227535, MedGen C0346153, MONDO:0016419, OMIM 114480. Disease mechanism: loss of function.
Ataxia-telangiectasia syndrome (AT). Also called: Ataxia-telangiectasia, complementation group D; AT, COMPLEMENTATION GROUP C; Ataxia-telangiectasia; ATAXIA-TELANGIECTASIA, COMPLEMENTATION GROUP A; ATAXIA-TELANGIECTASIA, FRESNO VARIANT; Ataxia-telangiectasia, complementation group E. Identifiers: Orphanet 100, MedGen C0004135, MONDO:0008840, OMIM 208900.
Medulloblastoma WNT activated. Identifiers: MedGen C4331965, MONDO:0850196.

Allele frequency attached by ClinVar (database versions not stated): ExAC 0.00002; gnomAD 0.00002; gnomAD exomes 0.00002 and 0.00001.
gnomAD v4.1: 18 of 1,614,004 alleles (0.0011%); highest among the groups gnomAD compares: African/African-American, 0.0027%; no homozygotes.

Submissions 1 to 6 of 23:

ClinGen Hereditary Breast, Ovarian and Pancreatic Cancer Variant Curation Expert Panel, ClinGen
Classification: Likely pathogenic for ATM-related cancer predisposition. Last evaluated: 2024-11-26. Review status: reviewed by expert panel. Criteria: ClinGen HBOP ACMG Specifications ATM V1.3.0. Collection method: curation. Allele origin: germline. Inheritance: Autosomal dominant inheritance.
Comment: The c.9022C>T variant in ATM is a missense variant predicted to cause substitution of arginine by cysteine at amino acid 3008 (p.Arg3008Cys). This variant has been detected in at least 5 individuals with Ataxia-Telangiectasia (PMID: 12552566, 18573109, 25122203, 26896183, 30549301). Additionally, experimental studies showed that this variant impacts ATM kinase activity and radiosensitivity compared to wild type (PMID: 19431188). The highest population minor allele frequency in gnomAD v2.1.1 is 0.00006 in the African/African American population (PM2_Supporting, BS1, and BA1 are not met). In summary, this variant meets criteria to be classified as likely pathogenic for autosomal dominant ATM-related cancer predisposition and autosomal recessive Ataxia-Telangiectasia based on the ACMG/AMP criteria applied as specified by the HBOP Variant Curation Expert Panel. (PM3_Very Strong, PS3_Supporting)

Labcorp Genetics (formerly Invitae), Labcorp
Classification: Pathogenic for Ataxia-telangiectasia syndrome. Last evaluated: 2026-01-27. Review status: criteria provided, single submitter. Criteria: Invitae Variant Classification Sherloc (09022015). Collection method: clinical testing. Allele origin: germline. Not counted in ClinVar's aggregate classification.
Comment: This sequence change replaces arginine, which is basic and polar, with cysteine, which is neutral and slightly polar, at codon 3008 of the ATM protein (p.Arg3008Cys). This variant is present in population databases (rs587782292, gnomAD 0.007%). This missense change has been observed in individual(s) with ataxia-telangiectasia (A-T) and/or breast cancer (PMID: 9872980, 10817650, 12552566, 30549301). In at least one individual the data is consistent with being in trans (on the opposite chromosome) from a pathogenic variant. ClinVar contains an entry for this variant (Variation ID: 142187). Invitae Evidence Modeling of protein sequence and biophysical properties (such as structural, functional, and spatial information, amino acid conservation, physicochemical variation, residue mobility, and thermodynamic stability) has been performed for this missense variant. However, the output from this modeling did not meet the statistical confidence thresholds required to predict the impact of this variant on ATM protein function. Experimental studies have shown that this missense change affects ATM function (PMID: 12552566, 15101044, 18573109). For these reasons, this variant has been classified as Pathogenic.

Institute for Genomic Medicine (IGM) Clinical Laboratory, Nationwide Children's Hospital
Classification: Tier II - Potential for Medulloblastoma WNT activated. Assertion type: diagnostic. Clinical significance: supports diagnosis. Last evaluated: 2025-06-12. Review status: criteria provided, single submitter. Criteria: AMP/ASCO/CAP Guidelines, 2017. Collection method: clinical testing. Allele origin: somatic. Affected: yes.
Comment: Variant has Tier II (potential) clinical significance as a diagnostic inclusion criterion in medulloblastoma WNT activated, based on the following evidence: 1) Documented in one or more cancer databases (e.g., St. Jude Pecan, COSMIC, CIViC, OncoKB). 2) Information in the literature supports potential biologic effect of variant (PMID: 19431188). 3) Diagnostic significance based on multiple small studies (Evidence Level C; PMIDs: 38207225, 22820256, 22832583, 14553952, 28726821).

Quest Diagnostics Nichols Institute San Juan Capistrano
Classification: Pathogenic. Last evaluated: 2025-05-09. Review status: criteria provided, single submitter. Criteria: Quest Diagnostics criteria. Collection method: clinical testing. Allele origin: unknown. Not counted in ClinVar's aggregate classification.
Comment: The ATM c.9022C>T (p.Arg3008Cys) variant has been reported in the published literature in individuals with breast cancer (PMID: 35264596 (2022), 33471991 (2021), see also LOVD), pancreatic cancer (PMID: 28767289 (2017), 31432501 (2019)), and Ataxia-telangiectasia (PMID: 12552566 (2003), 18573109 (2008), 21459046 (2011), 22649200 (2012), 25122203 (2014), 30549301 (2019)). This variant has also been observed in reportedly unaffected individuals (PMID: 30287823 (2018), 33471991 (2021), see also LOVD). Functional studies demonstrated that this variant had a damaging effect on protein function (PMID: 18573109 (2008), 19431188 (2009)). The frequency of this variant in the general population (Genome Aggregation Database) is uninformative in the assessment of its pathogenicity. Analysis of this variant using bioinformatics tools for the prediction of the effect of amino acid changes on protein structure and function yielded predictions that this variant is damaging. Based on the available information, this variant is classified as pathogenic.

Ambry Genetics
Classification: Pathogenic for Hereditary cancer-predisposing syndrome. Last evaluated: 2025-04-11. Review status: criteria provided, single submitter. Criteria: Ambry Variant Classification Scheme 2023. Collection method: clinical testing. Allele origin: germline. Not counted in ClinVar's aggregate classification.
Comment: The p.R3008C pathogenic mutation (also known as c.9022C>T) is located in coding exon 62 of the ATM gene. This alteration results from a C to T substitution at nucleotide position 9022. The arginine at codon 3008 is replaced by cysteine, an amino acid with highly dissimilar properties. This variant has been reported both in trans with pathogenic splice site mutations and also homozygous in a patient with classic ataxia-telangiectasia (Hacia J et al. Genome Res. 1998 Dec; 8(12):1245-58; Li A and Swift M. Am J Hum Genet. 2000 May 29; 92(3):170-7; Angele S et al. Hum Mutat. 2003 Feb; 21(2):169-70). A study of 104 Irish cases of hereditary breast cancer identified this alteration in one case (Aloraifi F et al., FEBS J. 2015 Sep; 282(17):3424-37). This alteration was also identified in one individual diagnosed with breast cancer in a study of 10030 consecutive patients referred for evaluation by an NGS hereditary cancer panel (Susswein LR et al. Genet. Med., 2016 Aug;18:823-32). This alteration impacts a highly-conserved residue in the ATM kinase domain and functional studies of this alteration have demonstrated complete loss of kinase activity both in vitro and in vivo (Angele S et al. Hum Mutat. 2003 Feb; 21(2):169-70). In addition, p.R3008C has been associated with reduced ATM protein levels, radiosensitivity levels similar to truncating mutations, and interference with endogenous ATM protein (Gutierrez-Enriquez S et al. Genes Chromosomes Cancer. 2004 Jun; 40(2):109-19; Barone G et al. Hum Mutat. 2009 Aug; 30(8):1222-30). Another missense alteration at this codon (p.R3008H) has been described as a likely deleterious allele detected in 1/122 familial breast cancer cases, 0/186 healthy control samples (Paglia L et al. Breast Cancer Res Treat. 2010 Jan; 119(2):443-52). This amino acid position is highly conserved in available vertebrate species. In addition, the in silico prediction for this alteration is inconclusive. Based on the supporting evidence, this alteration is interpreted as a disease-causing mutation.

Dasa
Classification: Likely pathogenic for ATM-related cancer predisposition. Last evaluated: 2025-03-26. Review status: criteria provided, single submitter. Criteria: DASA Assertion Criteria. Collection method: clinical testing. Allele origin: germline. Not counted in ClinVar's aggregate classification.
Comment: NM_000051.4(ATM):c.9022C>T (p.Arg3008Cys) is a missense variant that results in the substitution of arginine with cysteine. This variant has been recurrently observed in individuals with ATM-related cancer predisposition (PMID: 10817650; PMID: 12552566; PMID: 18573109; PMID: 21459046; PMID: 21792198). Functional evidence supports an impact on the gene or gene product (PMID: 19431188; PMID: 18573109; PMID: 10817650; PMID: 12552566; PMID: 21459046). Also, this variant is rare in population databases. Based on the currently available evidence, this variant is classified as likely pathogenic.